The following is an entry in ClinVar:

ClinVar aggregate classification (germline): Pathogenic (1 of 4 stars; one submission).

Submission:

Labcorp Genetics (formerly Invitae), Labcorp
Classification: Pathogenic. Last evaluated: 2025-07-14. Review status: criteria provided, single submitter. Criteria: Invitae Variant Classification Sherloc (09022015). Collection method: clinical testing. Allele origin: germline.
Comment: This sequence change creates a premature translational stop signal (p.Lys1044Asnfs*16) in the RP1 gene. While this is not anticipated to result in nonsense mediated decay, it is expected to disrupt the last 1113 amino acid(s) of the RP1 protein. This variant is present in population databases (rs560194680, gnomAD 0.0009%). This premature translational stop signal has been observed in individual(s) with autosomal recessive retinitis pigmentosa (PMID: 30913292). This variant disrupts the C-terminus of the RP1 protein. Many variants that disrupt this region have been reported in individuals with either autosomal dominant or autosomal recessive retinitis pigmentosa (PMID: 11527933, 19933189, 29425069, 30027431, 33681214). Therefore, variants that disrupt this region are expected to be disease-causing. For these reasons, this variant has been classified as Pathogenic.

Literature cited by the submitters: PubMed 30913292; PubMed 11527933; PubMed 19933189; PubMed 29425069; PubMed 30027431; PubMed 33681214.

NM_006269.2(RP1):c.3132_3133del (p.Lys1044fs)

Gene: RP1 (RP1 axonemal microtubule associated; plus strand). Cytogenetic location: 8q12.1.
Variant type: Deletion.
Coding change: c.3132_3133del on transcript NM_006269.2 (MANE Select); coding-DNA positions 3132 to 3133, 2 bases deleted (AT; older notation c.3132_3133delAT).
Protein change: p.Lys1044fs; shifts the reading frame from lysine 1044.
Molecular consequence: frameshift variant. On other transcripts: intron variant (1).
Genome position (GRCh38, 1-based): chr8:54,627,014-54,627,015, AT deleted. VCF-style (leftmost placement, unchanged base first): chr8-54627013-AAT-A. GRCh37 (hg19) VCF-style: chr8-55539573-AAT-A.
Other names: c.787+4726_787+4727del (NM_001375654.1); short protein forms K1044fs.
Identifiers: ClinVar variation 4750126 (VCV004750126.1).